The following is an entry in ClinVar:

GRCh37/hg19 Xp22.33(chrX:2852856-2856474)x2

Gene: ARSL (arylsulfatase L; minus strand). Cytogenetic location: Xp22.33.
Variant type: copy number gain.
Change: copy number 2 of chrX:2,852,856-2,856,474 (3.6 kb, GRCh37 coordinates, 1-based), cytogenetic band Xp22.33.
Identifiers: ClinVar variation 394249 (VCV000394249.3).

ClinVar aggregate classification (germline): Benign/Likely benign (0 of 4 stars; one submission).

Submission:

ISCA Site 6
Classification: Benign/Likely benign. Review status: no assertion criteria provided. Collection method: clinical testing. Allele origin: unknown. Affected: yes. Observed: 2 variant alleles.
Comment: Likely benign (1), Benign (1)

Copy number variation identified through the course of routine clinical cytogenomic testing in postnatal populations, with clinical assertions as classified by the original submitter. For data from the original published study, Kaminsky, et al. 2011 (PubMed 21844811), please see nstd101.